The following is an entry in ClinVar:

ClinVar aggregate classification (germline): Pathogenic (1 of 4 stars; one submission).

Conditions:
CHEK2-related cancer predisposition (TPDS4). Also called: TUMOR PREDISPOSITION SYNDROME 4; CANCER PREDISPOSITION SYNDROME, CHEK2-RELATED; CHEK2-related cancer susceptibility. Identifiers: Orphanet 524, MedGen C5882668, MONDO:0700271, OMIM 609265.

Submission:

MVZ Medizinische Genetik Mainz
Classification: Pathogenic for CHEK2-related cancer predisposition. Last evaluated: 2024-10-09. Review status: criteria provided, single submitter. Criteria: UK Practice Guidelines For Variant Classification V4 01 2020. Collection method: clinical testing. Allele origin: germline. Inheritance: Autosomal dominant inheritance. Affected: yes. Observed: 1 variant allele.
Comment: ACMG Criteria: PVS1,PM2_SUP,PM5_SUP

NM_007194.4(CHEK2):c.961_962del (p.Glu321fs)

Gene: CHEK2 (checkpoint kinase 2; minus strand). Cytogenetic location: 22q12.1.
Variant type: Deletion.
Coding change: c.961_962del on transcript NM_007194.4 (MANE Select); coding-DNA positions 961 to 962, 2 bases deleted (GA; older notation c.961_962delGA).
Protein change: p.Glu321fs; shifts the reading frame from glutamic acid 321.
Molecular consequence: frameshift variant.
Genome position (GRCh38, 1-based): chr22:28,699,884-28,699,885, TC deleted on the plus strand (GA on the coding strand, the reverse complement: CHEK2 is on the minus strand); deleting any 2 consecutive bases within chr22:28,699,884-28,699,886 gives the same sequence; the c. name uses the placement nearest the transcript's 3' end. VCF-style (leftmost placement, unchanged base first): chr22-28699883-TTC-T. GRCh37 (hg19) VCF-style: chr22-29095871-TTC-T.
Other names: c.1089_1090delAG, p.Glu364Serfs (NM_001005735.3); c.297_298delAG, p.Glu100Serfs (NM_001257387.3); c.759_760delAG, p.Glu254Serfs (NM_001349956.3); c.960_961delAG, p.Glu321Serfs (NM_145862.3); short protein forms E100fs, E254fs, E321fs, E364fs.
Identifiers: ClinVar variation 3370341 (VCV003370341.1).